The following is an entry in ClinVar:

NM_004863.4(SPTLC2):c.533A>G (p.Tyr178Cys)

Gene: SPTLC2 (serine palmitoyltransferase long chain base subunit 2; minus strand). Cytogenetic location: 14q24.3.
Variant type: single nucleotide variant.
Coding change: c.533A>G on transcript NM_004863.4 (MANE Select); coding-DNA position 533, A replaced by G.
Protein change: p.Tyr178Cys; replaces tyrosine 178 with cysteine.
Molecular consequence: missense variant.
Genome position (GRCh38, 1-based): chr14:77,576,865, T>C on the plus strand (A>G on the coding strand, the complement: SPTLC2 is on the minus strand). VCF-style: chr14-77576865-T-C. GRCh37 (hg19) VCF-style: chr14-78043208-T-C.
Other names: short protein forms Y178C.
Identifiers: ClinVar variation 972640 (VCV000972640.11), dbSNP rs1011016523, ClinGen allele CA263840894.
Genomic context (GRCh38, chr14:77,576,865, plus strand): 5'-TCCTCAAGGACTTTGGCGGCTGCTTCTTGACATGATCCAGTATTCCGTGCAAATCCAAGA[T>C]AGTTGTAGGAACCCATGTTTATAACACCCTTTATTATATTCCCTGTATACCTGTGCATCA-3'
Protein context (NP_004854.1, residues 168-188): KGVINMGSYN[Tyr178Cys]LGFARNTGSC

ClinVar aggregate classification (germline): Uncertain significance. Review status: criteria provided, multiple submitters, no conflicts (2 of 4 stars). 3 submissions from 3 submitters: Uncertain significance (3). Last evaluated 2025-12-29.

Conditions:
Inborn genetic diseases. Identifiers: MedGen C0950123, MeSH D030342.
Neuropathy, hereditary sensory and autonomic, type 1C. Also called: HSAN IC; HSN IC. Identifiers: Orphanet 36386, MedGen C3150896, MONDO:0013337, OMIM 613640.

Allele frequency attached by ClinVar (database versions not stated): gnomAD exomes 0.00001.
gnomAD v4.1: 3 of 1,614,172 alleles (0.00019%); highest among the groups gnomAD compares: East Asian, 0.0022%; no homozygotes.

Submissions (3):

Ambry Genetics
Classification: Uncertain significance for Inborn genetic diseases. Last evaluated: 2025-12-29. Review status: criteria provided, single submitter. Criteria: Ambry Variant Classification Scheme 2023. Collection method: clinical testing. Allele origin: germline.

GeneDx
Classification: Uncertain significance. Last evaluated: 2022-07-21. Review status: criteria provided, single submitter. Criteria: GeneDx Variant Classification Process June 2021. Collection method: clinical testing. Allele origin: germline. Affected: yes.
Comment: Not observed at significant frequency in large population cohorts (gnomAD); In silico analysis supports that this missense variant has a deleterious effect on protein structure/function; Has not been previously published as pathogenic or benign to our knowledge

Labcorp Genetics (formerly Invitae), Labcorp
Classification: Uncertain significance for Neuropathy, hereditary sensory and autonomic, type 1C. Last evaluated: 2019-11-10. Review status: criteria provided, single submitter. Criteria: Invitae Variant Classification Sherloc (09022015). Collection method: clinical testing. Allele origin: germline.
Comment: This variant is not present in population databases (ExAC no frequency). This sequence change replaces tyrosine with cysteine at codon 178 of the SPTLC2 protein (p.Tyr178Cys). The tyrosine residue is highly conserved and there is a large physicochemical difference between tyrosine and cysteine. This variant has not been reported in the literature in individuals with SPTLC2-related conditions. In summary, the available evidence is currently insufficient to determine the role of this variant in disease. Therefore, it has been classified as a Variant of Uncertain Significance. Algorithms developed to predict the effect of missense changes on protein structure and function are either unavailable or do not agree on the potential impact of this missense change (SIFT: "Deleterious"; PolyPhen-2: "Probably Damaging"; Align-GVGD: "Class C0").